The following is an entry in ClinVar:

NC_012920.1(MT-CYB):m.14765A>T

Gene: MT-CYB (mitochondrially encoded cytochrome b; plus strand).
Variant type: single nucleotide variant.
Genome position: chrM-14765-A-T.
Identifiers: ClinVar variation 693759 (VCV000693759.1), dbSNP rs1603224865, ClinGen allele CA913172029.
Genomic context (GRCh38, chrMT:14,765, plus strand): 5'-GATATGAAAAACCATCGTTGTATTTCAACTACAAGAACACCAATGACCCCAATACGCAAA[A>T]CTAACCCCCTAATAAAATTAATTAACCACTCATTCATCGACCTCCCCACCCCATCCAACA-3'

ClinVar aggregate classification (germline): Uncertain significance (1 of 4 stars; one submission).

Conditions:
Leigh syndrome (NULS). Also called: Leigh's necrotizing encephalopathy; Leigh's disease; Leigh's syndrome; LEIGH SYNDROME, NUCLEAR; Leigh Syndrome (mtDNA deletion); Leigh Disease. Identifiers: Orphanet 506, MedGen C2931891, MONDO:0009723, OMIM 256000.

Submission:

Wong Mito Lab, Molecular and Human Genetics, Baylor College of Medicine
Classification: Uncertain significance for Leigh syndrome. Last evaluated: 2019-10-17. Review status: criteria provided, single submitter. Criteria: Modified ACMG Guidelines (Unpublished). Collection method: clinical testing. Allele origin: germline.
Comment: The NC_012920.1:m.14765A>T (YP_003024038.1:p.Thr7Ser) variant in MTCYB gene is interpretated to be a Uncertain Significance variant based on the modified ACMG guidelines (unpublished). This variant meets the following evidence codes: BP4, PP7